The following is an entry in ClinVar:

ClinVar aggregate classification (germline): Uncertain significance. Review status: criteria provided, multiple submitters, no conflicts (2 of 4 stars). 3 submissions from 3 submitters: Uncertain significance (3). Last evaluated 2026-06-08.

Conditions:
Cardiovascular phenotype. Identifiers: MedGen CN230736.

Allele frequency attached by ClinVar (database versions not stated): gnomAD 0.00001; gnomAD exomes 0.00001.
gnomAD v4.1: 27 of 1,550,256 alleles (0.0017%); highest among the groups gnomAD compares: Middle Eastern, 0.033%; no homozygotes.

Submissions (3):

Women's Health and Genetics/Laboratory Corporation of America, LabCorp
Classification: Uncertain significance. Last evaluated: 2026-06-08. Review status: criteria provided, single submitter. Criteria: LabCorp Variant Classification Summary - May 2015. Collection method: clinical testing. Allele origin: germline.

Ambry Genetics
Classification: Uncertain significance for Cardiovascular phenotype. Last evaluated: 2024-01-14. Review status: criteria provided, single submitter. Criteria: Ambry Variant Classification Scheme 2023. Collection method: clinical testing. Allele origin: germline.
Comment: The p.Q2391H variant (also known as c.7173G>C), located in coding exon 2 of the ZNF469 gene, results from a G to C substitution at nucleotide position 7173. The glutamine at codon 2391 is replaced by histidine, an amino acid with highly similar properties. This amino acid position is conserved. In addition, this alteration is predicted to be tolerated by in silico analysis. Since supporting evidence is limited at this time, the clinical significance of this alteration remains unclear.

GeneDx
Classification: Uncertain significance. Last evaluated: 2022-07-27. Review status: criteria provided, single submitter. Criteria: GeneDx Variant Classification Process June 2021. Collection method: clinical testing. Allele origin: germline. Affected: yes.
Comment: Not observed at significant frequency in large population cohorts (gnomAD); In silico analysis supports that this missense variant does not alter protein structure/function; Has not been previously published as pathogenic or benign to our knowledge

NM_001367624.2(ZNF469):c.7257G>C (p.Gln2419His)

Gene: ZNF469 (zinc finger protein 469; plus strand). Cytogenetic location: 16q24.2.
Variant type: single nucleotide variant.
Coding change: c.7257G>C on transcript NM_001367624.2 (MANE Select); coding-DNA position 7257, G replaced by C.
Protein change: p.Gln2419His; replaces glutamine 2419 with histidine.
Molecular consequence: missense variant.
Genome position (GRCh38, 1-based): chr16:88,434,727, G>C. VCF-style: chr16-88434727-G-C. GRCh37 (hg19) VCF-style: chr16-88501135-G-C.
Other names: NM_001127464.1:c.7173G>C; short protein forms Q2419H.
Identifiers: ClinVar variation 1699677 (VCV001699677.5), dbSNP rs780605331, ClinGen allele CA286382517.